The following is an entry in ClinVar:

ClinVar aggregate classification (germline): Uncertain significance. Review status: criteria provided, multiple submitters, no conflicts (2 of 4 stars). 2 submissions from 2 submitters: Uncertain significance (2). Last evaluated 2025-12-10.

Conditions:
Inborn genetic diseases. Identifiers: MedGen C0950123, MeSH D030342.

Allele frequency attached by ClinVar (database versions not stated): gnomAD 0.00001; TOPMed 0.00002.
gnomAD v4.1: 3 of 1,613,948 alleles (0.00019%); highest among the groups gnomAD compares: African/African-American, 0.004%; no homozygotes.

Submissions (2):

Ambry Genetics
Classification: Uncertain significance for Inborn genetic diseases. Last evaluated: 2025-12-10. Review status: criteria provided, single submitter. Criteria: Ambry Variant Classification Scheme 2023. Collection method: clinical testing. Allele origin: germline.

Labcorp Genetics (formerly Invitae), Labcorp
Classification: Uncertain significance. Last evaluated: 2022-05-27. Review status: criteria provided, single submitter. Criteria: Invitae Variant Classification Sherloc (09022015). Collection method: clinical testing. Allele origin: germline.
Comment: This sequence change replaces glutamic acid, which is acidic and polar, with alanine, which is neutral and non-polar, at codon 1695 of the PCDH15 protein (p.Glu1695Ala). This variant is present in population databases (no rsID available, gnomAD 0.007%). This variant has not been reported in the literature in individuals affected with PCDH15-related conditions. Algorithms developed to predict the effect of missense changes on protein structure and function (SIFT, PolyPhen-2, Align-GVGD) all suggest that this variant is likely to be tolerated. In summary, the available evidence is currently insufficient to determine the role of this variant in disease. Therefore, it has been classified as a Variant of Uncertain Significance.

NM_033056.4(PCDH15):c.5084A>C (p.Glu1695Ala)

Gene: PCDH15 (protocadherin related 15; minus strand). Cytogenetic location: 10q21.1.
Variant type: single nucleotide variant.
Coding change: c.5084A>C on transcript NM_033056.4 (MANE Plus Clinical); coding-DNA position 5084, A replaced by C.
Protein change: p.Glu1695Ala; replaces glutamic acid 1695 with alanine.
Molecular consequence: missense variant. On other transcripts: intron variant (8).
Genome position (GRCh38, 1-based): chr10:53,822,642, T>G on the plus strand (A>C on the coding strand, the complement: PCDH15 is on the minus strand). VCF-style: chr10-53822642-T-G. GRCh37 (hg19) VCF-style: chr10-55582402-T-G.
Other names: c.5090A>C, p.Glu1697Ala (NM_001142764.2); c.4877A>C, p.Glu1626Ala (NM_001142765.2); c.5075A>C, p.Glu1692Ala (NM_001142766.2); c.4964A>C, p.Glu1655Ala (NM_001142767.2); c.5024A>C, p.Glu1675Ala (NM_001142768.2); c.5015A>C, p.Glu1672Ala (NM_001142773.2); c.5018A>C, p.Glu1673Ala (NM_001354404.2); c.4367+4751A>C (NM_001354420.2); and 7 more; short protein forms E1626A, E1655A, E1672A, E1673A, E1675A, E1692A, E1695A, E1697A.
Identifiers: ClinVar variation 2419741 (VCV002419741.4), dbSNP rs1294287493, ClinGen allele CA376525884.